The following is an entry in ClinVar:

ClinVar aggregate classification (germline): Uncertain significance (1 of 4 stars; one submission).

Conditions:
MED12L-related disorder. Also called: MED12L-related condition.

Allele frequency attached by ClinVar (database versions not stated): gnomAD exomes below 0.00001.
gnomAD v4.1: 1 of 1,611,742 alleles (0.000062%); highest among the groups gnomAD compares: Non-Finnish European, 0.000085%; no homozygotes.

Submission:

PreventionGenetics, part of Exact Sciences
Classification: Uncertain significance for MED12L-related condition. Last evaluated: 2023-02-14. Review status: criteria provided, single submitter. Criteria: ACMG Guidelines, 2015. Collection method: clinical testing. Allele origin: germline.
Comment: The MED12L c.3268A>G variant is predicted to result in the amino acid substitution p.Ile1090Val. To our knowledge, this variant has not been reported in the literature or in a large population database, indicating this variant is rare. At this time, the clinical significance of this variant is uncertain due to the absence of conclusive functional and genetic evidence.

NM_001393769.1(MED12L):c.3373A>G (p.Ile1125Val)

Genes: MED12L (mediator complex subunit 12L; plus strand), P2RY12 (purinergic receptor P2Y12; minus strand). Cytogenetic location: 3q25.1.
Variant type: single nucleotide variant.
Coding change: c.3373A>G on transcript NM_001393769.1 (MANE Select); coding-DNA position 3373, A replaced by G.
Protein change: p.Ile1125Val; replaces isoleucine 1125 with valine.
Molecular consequence: missense variant. On other transcripts: intron variant (1).
Genome position (GRCh38, 1-based): chr3:151,367,691, A>G. VCF-style: chr3-151367691-A-G. GRCh37 (hg19) VCF-style: chr3-151085479-A-G.
Other names: c.3268A>G, p.Ile1090Val (NM_053002.6); c.-180+17001T>C (NM_022788.5); short protein forms I1090V, I1125V.
Identifiers: ClinVar variation 2628714 (VCV002628714.1), dbSNP rs1755452288, ClinGen allele CA354970750.